The following is an entry in ClinVar:

NM_004951.5(GPR183):c.870G>C (p.Leu290=)

Genes: GPR183 (G protein-coupled receptor 183; minus strand), UBAC2 (UBA domain containing 2; plus strand). Cytogenetic location: 13q32.3.
Variant type: single nucleotide variant.
Coding change: c.870G>C on transcript NM_004951.5 (MANE Select); coding-DNA position 870, G replaced by C.
Protein change: p.Leu290=; no amino-acid change (leucine 290 retained).
Molecular consequence: synonymous variant. On other transcripts: intron variant (2).
Genome position (GRCh38, 1-based): chr13:99,295,276, C>G on the plus strand (G>C on the coding strand, the complement: GPR183 is on the minus strand). VCF-style: chr13-99295276-C-G. GRCh37 (hg19) VCF-style: chr13-99947530-C-G.
Other names: c.285-18821C>G (NM_177967.4); c.390-18821C>G (NM_001144072.2).
Identifiers: ClinVar variation 4533481 (VCV004533481.6).

ClinVar aggregate classification (germline): Benign (1 of 4 stars; one submission).

gnomAD v4.1: 5,259 of 1,614,098 alleles (0.33%); highest among the groups gnomAD compares: South Asian, 1%; 29 homozygotes.

Submission:

CeGaT Center for Human Genetics Tuebingen
Classification: Benign. Last evaluated: 2026-07-01. Review status: criteria provided, single submitter. Criteria: CeGaT Center For Human Genetics Tuebingen Variant Classification Criteria Version 2. Collection method: clinical testing. Allele origin: germline. Affected: yes. Observed: 3 variant alleles.
Comment: GPR183: BP4, BP7, BS1, BS2